The following is an entry in ClinVar:

NM_032409.3(PINK1):c.435G>A (p.Thr145=)

Gene: PINK1 (PTEN induced kinase 1; plus strand). Cytogenetic location: 1p36.12.
Variant type: single nucleotide variant.
Coding change: c.435G>A on transcript NM_032409.3 (MANE Select); coding-DNA position 435, G replaced by A.
Protein change: p.Thr145=; no amino-acid change (threonine 145 retained).
Molecular consequence: synonymous variant.
Genome position (GRCh38, 1-based): chr1:20,637,889, G>A. VCF-style: chr1-20637889-G-A. GRCh37 (hg19) VCF-style: chr1-20964382-G-A.
Identifiers: ClinVar variation 1130785 (VCV001130785.17), dbSNP rs370346526, ClinGen allele CA660428.
Genomic context (GRCh38, chr1:20,637,889, plus strand): 5'-TTTCTCATCACAGGCAATTTTTACCCAGAAAAGCAAGCCGGGGCCTGACCCGTTGGACAC[G>A]AGACGCTTGCAGGGCTTTCGGCTGGAGGAGTATCTGATAGGGCAGTCCATTGGTAAGGGC-3'
Protein context (NP_115785.1, residues 135-155): KSKPGPDPLD[Thr145=]RRLQGFRLEE

ClinVar aggregate classification (germline): Likely benign. Review status: criteria provided, multiple submitters, no conflicts (2 of 4 stars). 2 submissions from 2 submitters: Likely benign (2). Last evaluated 2025-08-01.

Conditions:
Autosomal recessive early-onset Parkinson disease 6 (PARK6). Also called: PINK1-Related Parkinson Disease; PINK1 Type of Young-Onset Parkinson Disease; PARKINSON DISEASE 6, MODIFIER OF; PARKINSON DISEASE 6, EARLY-ONSET. Identifiers: Orphanet 2828, MedGen C1853833, MONDO:0011613, OMIM 605909.

Allele frequency attached by ClinVar (database versions not stated): gnomAD 0.00001 and 0.00002; gnomAD exomes 0.00001 and 0.00002; TOPMed 0.00002; ExAC 0.00003; ESP Exome Variant Server 0.00008.
gnomAD v4.1: 22 of 1,614,188 alleles (0.0014%); highest among the groups gnomAD compares: Middle Eastern, 0.016%; no homozygotes.

Submissions (2):

CeGaT Center for Human Genetics Tuebingen
Classification: Likely benign. Last evaluated: 2025-08-01. Review status: criteria provided, single submitter. Criteria: CeGaT Center For Human Genetics Tuebingen Variant Classification Criteria Version 2. Collection method: clinical testing. Allele origin: germline. Affected: yes. Observed: 1 variant allele.
Comment: PINK1: BP4, BP7

Labcorp Genetics (formerly Invitae), Labcorp
Classification: Likely benign for Autosomal recessive early-onset Parkinson disease 6. Last evaluated: 2019-02-26. Review status: criteria provided, single submitter. Criteria: Invitae Variant Classification Sherloc (09022015). Collection method: clinical testing. Allele origin: germline.